The following is an entry in ClinVar:

NM_022124.6(CDH23):c.4209+1G>A

Genes: C10orf105 (chromosome 10 open reading frame 105; minus strand), CDH23 (cadherin related 23; plus strand). Cytogenetic location: 10q22.1.
Variant type: single nucleotide variant.
Coding change: c.4209+1G>A on transcript NM_022124.6 (MANE Select); the canonical splice donor site of the intron after coding-DNA position 4209, G replaced by A.
Molecular consequence: splice donor variant. On other transcripts: intron variant (1).
Genome position (GRCh38, 1-based): chr10:71,734,659, G>A. VCF-style: chr10-71734659-G-A. GRCh37 (hg19) VCF-style: chr10-73494416-G-A.
Other names: c.-6+3069C>T (NM_001168390.2).
Identifiers: ClinVar variation 2879385 (VCV002879385.3), dbSNP rs727503841, ClinGen allele CA377158613.

ClinVar aggregate classification (germline): Likely pathogenic (1 of 4 stars; one submission).

gnomAD v4.1: 5 of 1,456,428 alleles (0.00034%); highest among the groups gnomAD compares: East Asian, 0.0032%; no homozygotes.

Submission:

Labcorp Genetics (formerly Invitae), Labcorp
Classification: Likely pathogenic. Last evaluated: 2023-10-23. Review status: criteria provided, single submitter. Criteria: Invitae Variant Classification Sherloc (09022015). Collection method: clinical testing. Allele origin: germline.
Comment: This sequence change affects a donor splice site in intron 34 of the CDH23 gene. It is expected to disrupt RNA splicing. Variants that disrupt the donor or acceptor splice site typically lead to a loss of protein function (PMID: 16199547), and loss-of-function variants in CDH23 are known to be pathogenic (PMID: 11138009, 21940737). This variant is present in population databases (no rsID available, gnomAD 0.0009%). This variant has not been reported in the literature in individuals affected with CDH23-related conditions. Algorithms developed to predict the effect of sequence changes on RNA splicing suggest that this variant may disrupt the consensus splice site. In summary, the currently available evidence indicates that the variant is pathogenic, but additional data are needed to prove that conclusively. Therefore, this variant has been classified as Likely Pathogenic.

Literature cited by the submitters: PubMed 16199547; PubMed 11138009; PubMed 21940737.